The following is an entry in ClinVar:

NM_003640.5(ELP1):c.385+6C>G

Gene: ELP1 (elongator acetyltransferase complex subunit 1; minus strand). Cytogenetic location: 9q31.3.
Variant type: single nucleotide variant.
Coding change: c.385+6C>G on transcript NM_003640.5 (MANE Select); 6 bases into the intron after coding-DNA position 385, C replaced by G.
Molecular consequence: intron variant.
Genome position (GRCh38, 1-based): chr9:108,927,366, G>C on the plus strand (C>G on the coding strand, the complement: ELP1 is on the minus strand). VCF-style: chr9-108927366-G-C. GRCh37 (hg19) VCF-style: chr9-111689646-G-C.
Other names: c.43+6C>G (NM_001318360.2); c.-475+6C>G (NM_001330749.2).
Identifiers: ClinVar variation 2422302 (VCV002422302.5), dbSNP rs201780103, ClinGen allele CA5175382.

ClinVar aggregate classification (germline): Uncertain significance. Review status: criteria provided, multiple submitters, no conflicts (2 of 4 stars). 2 submissions from 2 submitters: Uncertain significance (2). Last evaluated 2024-10-23.

Conditions:
Medulloblastoma (MDB). Also called: MEDULLOBLASTOMA PREDISPOSITION SYNDROME; Medulloblastoma, somatic. Identifiers: Orphanet 616, MedGen C0025149, MeSH D008527, MONDO:0007959, OMIM 155255, HP:0002885.
Familial dysautonomia. Also called: FD; HSAN III. Identifiers: Orphanet 1764, MedGen C0013364, MONDO:0009131, OMIM 223900. Disease mechanism: loss of function.

Allele frequency attached by ClinVar (database versions not stated): gnomAD 0.00001; TOPMed 0.00002; ExAC 0.00007; 1000 Genomes Project 0.00020; 1000 Genomes Project 30x 0.00031.
gnomAD v4.1: 17 of 1,609,110 alleles (0.0011%); highest among the groups gnomAD compares: Admixed American, 0.028%; no homozygotes.

Submissions (2):

Labcorp Genetics (formerly Invitae), Labcorp
Classification: Uncertain significance. Last evaluated: 2024-10-23. Review status: criteria provided, single submitter. Criteria: Invitae Variant Classification Sherloc (09022015). Collection method: clinical testing. Allele origin: germline.
Comment: This sequence change falls in intron 4 of the ELP1 gene. It does not directly change the encoded amino acid sequence of the ELP1 protein. It affects a nucleotide within the consensus splice site. This variant is present in population databases (rs201780103, gnomAD 0.05%). This variant has not been reported in the literature in individuals affected with ELP1-related conditions. ClinVar contains an entry for this variant (Variation ID: 2422302). Variants that disrupt the consensus splice site are a relatively common cause of aberrant splicing (PMID: 17576681, 9536098). Algorithms developed to predict the effect of sequence changes on RNA splicing suggest that this variant is not likely to affect RNA splicing. In summary, the available evidence is currently insufficient to determine the role of this variant in disease. Therefore, it has been classified as a Variant of Uncertain Significance.

Fulgent Genetics
Classification: Uncertain significance for Medulloblastoma; Familial dysautonomia. Last evaluated: 2024-05-30. Review status: criteria provided, single submitter. Criteria: ACMG Guidelines, 2015. Collection method: clinical testing. Allele origin: germline.

Literature cited by the submitters: PubMed 17576681 (cited by Labcorp Genetics (formerly Invitae), Labcorp); PubMed 9536098 (cited by Labcorp Genetics (formerly Invitae), Labcorp).